The following is an entry in ClinVar:

ClinVar aggregate classification (germline): Likely benign (0 of 4 stars; one submission).

Conditions:
MXRA8-related disorder. Also called: MXRA8-related condition.

Allele frequency attached by ClinVar (database versions not stated): gnomAD exomes 0.00004; ExAC 0.00015; gnomAD 0.00034; TOPMed 0.00041; ESP Exome Variant Server 0.00054.
gnomAD v4.1: 102 of 1,577,506 alleles (0.0065%); highest among the groups gnomAD compares: African/African-American, 0.14%; no homozygotes.

Submission:

PreventionGenetics, part of Exact Sciences
Classification: Likely benign for MXRA8-related condition. Last evaluated: 2022-06-01. Review status: no assertion criteria provided. Collection method: clinical testing. Allele origin: germline.
Comment: This variant is classified as likely benign based on ACMG/AMP sequence variant interpretation guidelines (Richards et al. 2015 PMID: 25741868, with internal and published modifications).

NM_032348.4(MXRA8):c.438C>G (p.Leu146=)

Gene: MXRA8 (matrix remodeling associated 8; minus strand). Cytogenetic location: 1p36.33.
Variant type: single nucleotide variant.
Coding change: c.438C>G on transcript NM_032348.4 (MANE Select); coding-DNA position 438, C replaced by G.
Protein change: p.Leu146=; no amino-acid change (leucine 146 retained).
Molecular consequence: synonymous variant.
Genome position (GRCh38, 1-based): chr1:1,355,284, G>C on the plus strand (C>G on the coding strand, the complement: MXRA8 is on the minus strand). VCF-style: chr1-1355284-G-C. GRCh37 (hg19) VCF-style: chr1-1290664-G-C.
Other names: c.438C>G, p.Leu146= (NM_001282582.2, NM_001282585.1); c.411C>G, p.Leu137= (NM_001282583.2); c.135C>G, p.Leu45= (NM_001282584.2).
Identifiers: ClinVar variation 3043161 (VCV003043161.2), dbSNP rs142988174, ClinGen allele CA521310.